The following is an entry in ClinVar:

ClinVar aggregate classification (germline): Uncertain significance (1 of 4 stars; one submission).

Conditions:
Charcot-Marie-Tooth disease type 2R. Also called: Charcot-Marie-Tooth disease, axonal, type 2R; CHARCOT-MARIE-TOOTH NEUROPATHY, TYPE 2R; CHARCOT-MARIE-TOOTH DISEASE, AXONAL, AUTOSOMAL RECESSIVE, TYPE 2R. Identifiers: Orphanet 397968, MedGen C3809655, MONDO:0014208, OMIM 615490.

Allele frequency attached by ClinVar (database versions not stated): gnomAD exomes below 0.00001.
gnomAD v4.1: 1 of 1,614,222 alleles (0.000062%); no homozygotes.

Submission:

Labcorp Genetics (formerly Invitae), Labcorp
Classification: Uncertain significance for Charcot-Marie-Tooth disease type 2R. Last evaluated: 2018-07-21. Review status: criteria provided, single submitter. Criteria: Invitae Variant Classification Sherloc (09022015). Collection method: clinical testing. Allele origin: germline.
Comment: This sequence change replaces asparagine with serine at codon 586 of the TRIM2 protein (p.Asn586Ser). The asparagine residue is highly conserved and there is a small physicochemical difference between asparagine and serine. This variant is not present in population databases (ExAC no frequency). This variant has not been reported in the literature in individuals with TRIM2-related disease. Algorithms developed to predict the effect of missense changes on protein structure and function are either unavailable or do not agree on the potential impact of this missense change (SIFT: "Deleterious"; PolyPhen-2: "Benign"; Align-GVGD: "Class C0"). Algorithms developed to predict the effect of sequence changes on RNA splicing suggest that this variant may create or strengthen a splice site, but this prediction has not been confirmed by published transcriptional studies. In summary, the available evidence is currently insufficient to determine the role of this variant in disease. Therefore, it has been classified as a Variant of Uncertain Significance.

NM_015271.5(TRIM2):c.1838A>G (p.Asn613Ser)

Gene: TRIM2 (tripartite motif containing 2; plus strand). Cytogenetic location: 4q31.3.
Variant type: single nucleotide variant.
Coding change: c.1838A>G on transcript NM_015271.5 (MANE Select); coding-DNA position 1838, A replaced by G.
Protein change: p.Asn613Ser; replaces asparagine 613 with serine.
Molecular consequence: missense variant.
Genome position (GRCh38, 1-based): chr4:153,322,703, A>G. VCF-style: chr4-153322703-A-G. GRCh37 (hg19) VCF-style: chr4-154243855-A-G.
Other names: c.1757A>G, p.Asn586Ser (NM_001130067.2, NM_001351056.2); c.1811A>G, p.Asn604Ser (NM_001351054.2); c.1808A>G, p.Asn603Ser (NM_001351055.2); c.1382A>G, p.Asn461Ser (NM_001351057.2); short protein forms N461S, N603S, N613S, N586S, N604S.
Identifiers: ClinVar variation 663082 (VCV000663082.8), dbSNP rs1579720652, ClinGen allele CA358469289.